The following is an entry in ClinVar:

NM_005235.3(ERBB4):c.442T>C (p.Tyr148His)

Gene: ERBB4 (erb-b2 receptor tyrosine kinase 4; minus strand). Cytogenetic location: 2q34.
Variant type: single nucleotide variant.
Coding change: c.442T>C on transcript NM_005235.3 (MANE Select); coding-DNA position 442, T replaced by C.
Protein change: p.Tyr148His; replaces tyrosine 148 with histidine.
Molecular consequence: missense variant.
Genome position (GRCh38, 1-based): chr2:211,788,139, A>G on the plus strand (T>C on the coding strand, the complement: ERBB4 is on the minus strand). VCF-style: chr2-211788139-A-G. GRCh37 (hg19) VCF-style: chr2-212652864-A-G.
Other names: c.442T>C, p.Tyr148His (NM_001042599.2, NM_001439005.1, NM_001439006.1); short protein forms Y148H.
Identifiers: ClinVar variation 4707730 (VCV004707730.1).

ClinVar aggregate classification (germline): Uncertain significance (1 of 4 stars; one submission).

gnomAD v4.1: 1 of 1,612,496 alleles (0.000062%); highest among the groups gnomAD compares: Non-Finnish European, 0.000085%; no homozygotes.

Submission:

Labcorp Genetics (formerly Invitae), Labcorp
Classification: Uncertain significance. Last evaluated: 2025-11-09. Review status: criteria provided, single submitter. Criteria: Invitae Variant Classification Sherloc (09022015). Collection method: clinical testing. Allele origin: germline.
Comment: This sequence change replaces tyrosine, which is neutral and polar, with histidine, which is basic and polar, at codon 148 of the ERBB4 protein (p.Tyr148His). This variant is present in population databases (no rsID available, gnomAD 0.0009%). This variant has not been reported in the literature in individuals affected with ERBB4-related conditions. Invitae Evidence Modeling of protein sequence and biophysical properties (such as structural, functional, and spatial information, amino acid conservation, physicochemical variation, residue mobility, and thermodynamic stability) indicates that this missense variant is not expected to disrupt ERBB4 protein function with a negative predictive value of 80%. In summary, the available evidence is currently insufficient to determine the role of this variant in disease. Therefore, it has been classified as a Variant of Uncertain Significance.